The following is an entry in ClinVar:

NM_001365276.2(TNXB):c.4176G>A (p.Trp1392Ter)

Gene: TNXB (tenascin XB; minus strand). Cytogenetic location: 6p21.33.
Variant type: single nucleotide variant.
Coding change: c.4176G>A on transcript NM_001365276.2 (MANE Select); coding-DNA position 4176, G replaced by A.
Protein change: p.Trp1392Ter; replaces tryptophan 1392 with a stop codon.
Molecular consequence: nonsense.
Genome position (GRCh38, 1-based): chr6:32,079,232, C>T on the plus strand (G>A on the coding strand, the complement: TNXB is on the minus strand). VCF-style: chr6-32079232-C-T. GRCh37 (hg19) VCF-style: chr6-32047009-C-T.
Other names: c.4917G>A, p.Trp1639Ter (NM_001428335.1); c.4176G>A, p.Trp1392Ter (NM_019105.8); short protein forms W1392*, W1639*.
Identifiers: ClinVar variation 5013960 (VCV005013960.1).

ClinVar aggregate classification (germline): Pathogenic (1 of 4 stars; one submission).

Conditions:
Ehlers-Danlos syndrome due to tenascin-X deficiency (EDSCLL1). Also called: Ehlers-Danlos syndrome, classic-like, 1; EHLERS-DANLOS SYNDROME, CLASSIC-LIKE; TNXB-Related Classical-Like Ehlers-Danlos Syndrome; EDS DUE TO TNX DEFICIENCY; TNX DEFICIENCY. Identifiers: Orphanet 230839, MedGen C1848029, MONDO:0011670, OMIM 606408.

Submission:

Myriad Genetics, Inc.
Classification: Pathogenic for Ehlers-Danlos syndrome due to tenascin-X deficiency. Last evaluated: 2025-01-14. Review status: criteria provided, single submitter. Criteria: Myriad Autosomal Dominant, Autosomal Recessive and X-Linked Classification Criteria (2023). Collection method: clinical testing. Allele origin: unknown.
Comment: NM_019105.6(TNXB):c.4176G>A(W1392*) is expected to be pathogenic in the context of classical-like Ehlers-Danlos syndrome, TNXB-related. This variant is predicted to lead to an abnormal or absent protein product due to the creation of a premature termination codon in TNXB, a gene where loss-of-function variants are known to be pathogenic. Please note: this variant was assessed in the context of healthy population screening.